The following is an entry in ClinVar:

ClinVar aggregate classification (germline): Uncertain significance. Review status: criteria provided, multiple submitters, no conflicts (2 of 4 stars). 2 submissions from 2 submitters: Uncertain significance (2). Last evaluated 2025-07-09.

gnomAD v4.1: 13 of 1,613,302 alleles (0.00081%); highest among the groups gnomAD compares: Middle Eastern, 0.016%; no homozygotes.

Submissions (2):

GeneDx
Classification: Uncertain significance. Last evaluated: 2025-07-09. Review status: criteria provided, single submitter. Criteria: GeneDx Variant Classification Process June 2021. Collection method: clinical testing. Allele origin: germline. Affected: yes.
Comment: Not observed at significant frequency in large population cohorts (gnomAD); In silico analysis suggests that this missense variant does not alter protein structure/function; Has not been previously published as pathogenic or benign to our knowledge

Blueprint Genetics
Classification: Uncertain significance. Last evaluated: 2024-07-30. Review status: criteria provided, single submitter. Criteria: ACMG Guidelines, 2015. Collection method: clinical testing. Allele origin: germline.

NM_001166114.2(PNPLA6):c.1489G>A (p.Glu497Lys)

Gene: PNPLA6 (patatin like domain 6, lysophospholipase; plus strand). Cytogenetic location: 19p13.2.
Variant type: single nucleotide variant.
Coding change: c.1489G>A on transcript NM_001166114.2 (MANE Select); coding-DNA position 1489, G replaced by A.
Protein change: p.Glu497Lys; replaces glutamic acid 497 with lysine.
Molecular consequence: missense variant.
Genome position (GRCh38, 1-based): chr19:7,542,887, G>A. VCF-style: chr19-7542887-G-A. GRCh37 (hg19) VCF-style: chr19-7607773-G-A.
Other names: c.1516G>A, p.Glu506Lys (NM_001166111.2); c.1372G>A, p.Glu458Lys (NM_001166112.2, NM_001166113.1, NM_006702.5); short protein forms E458K, E497K, E506K.
Identifiers: ClinVar variation 4685210 (VCV004685210.2).
Genomic context (GRCh38, chr19:7,542,887, plus strand): 5'-TCGGCCACTGGTGGCTGCCCTTTCGGGCCCTACCAGGGCCGCCAGACCAGCAGCATCTTC[G>A]AGGCAGCAAAGCAGGAGCTGGCCAAGCTGATGCGGATTGAGGTGGGCAGCCGAGGGGAGC-3'
Protein context (NP_001159586.1, residues 487-507): YQGRQTSSIF[Glu497Lys]AAKQELAKLM